The following is an entry in ClinVar:

ClinVar aggregate classification (germline): Uncertain significance (1 of 4 stars; one submission).

Conditions:
Familial adenomatous polyposis 1 (FAP1). Also called: FAMILIAL ADENOMATOUS POLYPOSIS 1, ATTENUATED; POLYPOSIS, ADENOMATOUS INTESTINAL. Identifiers: MedGen C2713442, MONDO:0021056, OMIM 175100. Disease mechanism: loss of function.

Submission:

Labcorp Genetics (formerly Invitae), Labcorp
Classification: Uncertain significance for Familial adenomatous polyposis 1. Last evaluated: 2020-05-21. Review status: criteria provided, single submitter. Criteria: Invitae Variant Classification Sherloc (09022015). Collection method: clinical testing. Allele origin: germline.
Comment: Experimental studies and prediction algorithms are not available for this variant, and the functional significance of this non-coding change is currently unknown. This variant occurs in a non-coding region of the APC gene. It does not change the encoded amino acid sequence of the APC protein. The frequency data for this variant in the population databases is considered unreliable, as metrics indicate insufficient coverage at this position in the ExAC database. This variant has not been reported in the literature in individuals with APC-related conditions. In summary, the available evidence is currently insufficient to determine the role of this variant in disease. Therefore, it has been classified as a Variant of Uncertain Significance.

NM_001127511.3(APC):c.165+10_165+18del

Gene: APC (APC regulator of Wnt signaling pathway; plus strand). Cytogenetic location: 5q22.2.
Variant type: Deletion.
Coding change: c.165+10_165+18del on transcript NM_001127511.3; bases 10 to 18 of the intron after coding-DNA position 165, 9 bases deleted (GCTGCAGGC; older notation c.165+10_165+18delGCTGCAGGC).
Molecular consequence: intron variant.
Genome position (GRCh38, 1-based): chr5:112,707,892-112,707,900, GCTGCAGGC deleted. VCF-style (leftmost placement, unchanged base first): chr5-112707891-GGCTGCAGGC-G. GRCh37 (hg19) VCF-style: chr5-112043588-GGCTGCAGGC-G.
Other names: c.-1054+10_-1054+18del (NM_001407470.1, NM_001407472.1); c.-19+10_-19+18del (NM_001407447.1, NM_001354895.2, NM_001407456.1 and 3 more transcripts); c.165+10_165+18del (NM_001407446.1, NM_001354897.2, NM_001354902.2); c.-19+243_-19+251del (NM_001407448.1, NM_001407450.1, NM_001407457.1 and 1 more transcripts); c.-43+243_-43+251del (NM_001407453.1).
Identifiers: ClinVar variation 1046502 (VCV001046502.9), dbSNP rs1750619239, ClinGen allele CA1573442819.